The following is an entry in ClinVar:

ClinVar aggregate classification (germline): Conflicting classifications of pathogenicity. Review status: criteria provided, conflicting classifications (1 of 4 stars). 8 submissions from 8 submitters: Uncertain significance (3); Benign (1); Likely benign (3). 1 of the submissions does not count toward it. Last evaluated 2026-05-01.

Conditions:
GREB1L-related disorder. Also called: GREB1L-related condition.
Mayer-Rokitansky-Kuster-Hauser syndrome (CAUV). Also called: Rokitansky sequence; MULLERIAN APLASIA/DYSGENESIS; CONGENITAL ABSENCE OF UTERUS AND VAGINA; Mayer-Rokitansky-Küster-Hauser syndrome. Identifiers: Orphanet 247775, Orphanet 3109, MedGen C0431648, MONDO:0017771.
Renal hypodysplasia/aplasia 3 (RHDA3). Identifiers: MedGen C4540497, MONDO:0024520, OMIM 617805.

Allele frequency attached by ClinVar (database versions not stated): 1000 Genomes Project 0.00060; 1000 Genomes Project 30x 0.00062; ExAC 0.00222; gnomAD exomes 0.00260 and 0.00429; TOPMed 0.00300; gnomAD 0.00305 and 0.00319; ESP Exome Variant Server 0.00394.
gnomAD v4.1: 6,445 of 1,551,744 alleles (0.42%); highest among the groups gnomAD compares: Non-Finnish European, 0.51%; 19 homozygotes.

Submissions (8):

CeGaT Center for Human Genetics Tuebingen
Classification: Likely benign. Last evaluated: 2026-05-01. Review status: criteria provided, single submitter. Criteria: CeGaT Center For Human Genetics Tuebingen Variant Classification Criteria Version 2. Collection method: clinical testing. Allele origin: germline. Affected: yes. Observed: 12 variant alleles.
Comment: GREB1L: BS2

GeneDx
Classification: Uncertain significance. Last evaluated: 2026-03-27. Review status: criteria provided, single submitter. Criteria: GeneDx Variant Classification Process June 2021. Collection method: clinical testing. Allele origin: germline.
Comment: In silico analysis suggests that this missense variant does not alter protein structure/function; Has not been previously published as pathogenic or benign to our knowledge

Labcorp Genetics (formerly Invitae), Labcorp
Classification: Benign. Last evaluated: 2026-01-19. Review status: criteria provided, single submitter. Criteria: Invitae Variant Classification Sherloc (09022015). Collection method: clinical testing. Allele origin: germline.

Mayo Clinic Laboratories, Mayo Clinic
Classification: Likely benign. Last evaluated: 2025-09-12. Review status: criteria provided, single submitter. Criteria: ACMG Guidelines, 2015. Collection method: clinical testing. Allele origin: germline. Observed: 2 variant alleles.
Comment: BS1, BP4

Blueprint Genetics
Classification: Likely benign. Last evaluated: 2024-11-25. Review status: criteria provided, single submitter. Criteria: ACMG Guidelines, 2015. Collection method: clinical testing. Allele origin: germline.

Human Genetic Laboratory, University of Liege
Classification: Uncertain significance for Renal hypodysplasia/aplasia 3; Mayer Rokitansky Kuster Hauser syndrome type 1. Last evaluated: 2020-02-20. Review status: criteria provided, single submitter. Criteria: ACMG Guidelines, 2015. Collection method: research. Allele origin: unknown, inherited. Inheritance: Autosomal unknown. Affected: yes and no. Observed: 5 heterozygotes. Clinical features observed: Aplasia/hypoplasia of the uterus (HP:0008684), Aplasia/Hypoplasia of the vagina (HP:0011026), Abnormal vertebral morphology (HP:0003468), Imperforate anus (HP:0002023), Bilateral renal agenesis (HP:0010958), Aplasia of the bladder (HP:0010477), Polydactyly (HP:0010442).
Comment: The variant is in a gene (GREB1L) previously associated with renal and uterine malformations in human. The variant is reported in Gnomad with a MAF:0.002813 and is reported once at a homozygous state. The variant affects a moderately conserved nucleotide and poorly conserved aminoacid. In silico prediction are conflicting.

Breakthrough Genomics
Classification: Uncertain significance. Review status: criteria provided, single submitter. Criteria: ACMG Guidelines, 2015. Collection method: not provided. Allele origin: germline. Inheritance: Autosomal dominant inheritance. Affected: yes.

PreventionGenetics, part of Exact Sciences
Classification: Benign for GREB1L-related condition. Last evaluated: 2019-05-07. Review status: no assertion criteria provided. Collection method: clinical testing. Allele origin: germline. Not counted in ClinVar's aggregate classification.
Comment: This variant is classified as benign based on ACMG/AMP sequence variant interpretation guidelines (Richards et al. 2015 PMID: 25741868, with internal and published modifications).

NM_001142966.3(GREB1L):c.277G>A (p.Glu93Lys)

Genes: GREB1L (GREB1 like retinoic acid receptor coactivator; plus strand), GREB1L-AS1 (GREB1L antisense RNA 1; minus strand). Cytogenetic location: 18q11.1.
Variant type: single nucleotide variant.
Coding change: c.277G>A on transcript NM_001142966.3 (MANE Select); coding-DNA position 277, G replaced by A.
Protein change: p.Glu93Lys; replaces glutamic acid 93 with lysine.
Molecular consequence: missense variant.
Genome position (GRCh38, 1-based): chr18:21,384,325, G>A. VCF-style: chr18-21384325-G-A. GRCh37 (hg19) VCF-style: chr18-18964286-G-A.
Other names: p.Glu93Lys; c.277G>A (NM_001142966.1); short protein forms E93K.
Identifiers: ClinVar variation 917910 (VCV000917910.35), dbSNP rs185578147, ClinGen allele CA8906298.